The following is an entry in ClinVar:

NM_032638.5(GATA2):c.243delinsGC (p.Gly82fs)

Gene: GATA2 (GATA binding protein 2; minus strand). Cytogenetic location: 3q21.3.
Variant type: Indel.
Coding change: c.243delinsGC on transcript NM_032638.5 (MANE Select); coding-DNA position 243, A replaced by GC.
Protein change: p.Gly82fs; shifts the reading frame from glycine 82.
Molecular consequence: frameshift variant.
Genome position (GRCh38, 1-based): chr3:128,486,355, T replaced by GC on the plus strand (A replaced by GC on the coding strand, the reverse complement: GATA2 is on the minus strand). VCF-style: chr3-128486355-T-GC. GRCh37 (hg19) VCF-style: chr3-128205198-T-GC.
Other names: c.243delinsGC, p.Gly82fs (NM_001145661.2, NM_001145662.1); short protein forms G82fs.
Identifiers: ClinVar variation 29714 (VCV000029714.2), dbSNP rs869320735, ClinGen allele CA358694.

ClinVar aggregate classification (germline): Pathogenic. Review status: criteria provided, single submitter (1 of 4 stars). 2 submissions from 2 submitters: Pathogenic (1). 1 of the submissions does not count toward it. Last evaluated 2021-07-06.

Conditions:
GATA2 deficiency with susceptibility to MDS/AML. Identifiers: MedGen CN300066, MONDO:0042982.
Deafness-lymphedema-leukemia syndrome. Also called: Lymphedema, primary, with myelodysplasia; Emberger syndrome. Identifiers: Orphanet 3226, MedGen C3279664, MONDO:0013540, OMIM 614038.
Monocytopenia with susceptibility to infections. Also called: IMMUNODEFICIENCY 21; Dendritic cell, monocyte, B lymphocyte, and natural killer lymphocyte deficiency; GATA2 DEFICIENCY; MONOCYTOPENIA AND MYCOBACTERIAL INFECTION SYNDROME; MONOCYTOPENIA WITH SUSCEPTIBILITY TO MYCOBACTERIAL, FUNGAL, AND PAPILLOMAVIRUS INFECTIONS AND MYELODYSPLASIA; COMBINED IMMUNODEFICIENCY WITH SUSCEPTIBILITY TO MYCOBACTERIAL, VIRAL, AND FUNGAL INFECTIONS. Identifiers: Orphanet 228423, MedGen C3280030, MONDO:0013607, OMIM 614172.

Submissions (2):

Molecular Pathology Research Laboratory, SA Pathology
Classification: Pathogenic for GATA2 deficiency with susceptibility to MDS/AML; Deafness-lymphedema-leukemia syndrome. Last evaluated: 2021-07-06. Review status: criteria provided, single submitter. Criteria: ACMG Guidelines, 2015. Collection method: curation. Allele origin: unknown. Inheritance: Autosomal dominant inheritance. Affected: yes. Observed: 1 variant allele.
Comment: PVS1, PS4_Supporting, PM2

OMIM
Classification: Pathogenic for IMMUNODEFICIENCY 21. Last evaluated: 2011-09-08. Review status: no assertion criteria provided. Collection method: literature only. Allele origin: germline. Not counted in ClinVar's aggregate classification.

Literature cited by the submitters: PubMed 24227816 (cited by Molecular Pathology Research Laboratory, SA Pathology); PubMed 25359990 (cited by Molecular Pathology Research Laboratory, SA Pathology); PubMed 23502222 (cited by Molecular Pathology Research Laboratory, SA Pathology); PubMed 20040766 (cited by Molecular Pathology Research Laboratory, SA Pathology and OMIM); PubMed 21670465 (cited by Molecular Pathology Research Laboratory, SA Pathology and OMIM); PubMed 24077845 (cited by Molecular Pathology Research Laboratory, SA Pathology); PubMed 21816832 (cited by Molecular Pathology Research Laboratory, SA Pathology); PubMed 8701948 (cited by Molecular Pathology Research Laboratory, SA Pathology).